The following is an entry in ClinVar:

NM_001349253.2(SCN11A):c.3506A>G (p.Asn1169Ser)

Genes: SCN11A (sodium voltage-gated channel alpha subunit 11; minus strand), LOC126806652 (CDK7 strongly-dependent group 2 enhancer GRCh37_chr3:38912374-38913573; plus strand). Cytogenetic location: 3p22.2.
Variant type: single nucleotide variant.
Coding change: c.3506A>G on transcript NM_001349253.2 (MANE Select); coding-DNA position 3506, A replaced by G.
Protein change: p.Asn1169Ser; replaces asparagine 1169 with serine.
Molecular consequence: missense variant.
Genome position (GRCh38, 1-based): chr3:38,871,698, T>C on the plus strand (A>G on the coding strand, the complement: SCN11A is on the minus strand). VCF-style: chr3-38871698-T-C. GRCh37 (hg19) VCF-style: chr3-38913189-T-C.
Other names: c.3506A>G, p.Asn1169Ser (NM_014139.3); short protein forms N1169S.
Identifiers: ClinVar variation 474720 (VCV000474720.18), dbSNP rs143552154, ClinGen allele CA2321755.

ClinVar aggregate classification (germline): Likely benign. Review status: criteria provided, multiple submitters, no conflicts (2 of 4 stars). 6 submissions from 6 submitters: Likely benign (6). Last evaluated 2026-01-12.

Conditions:
SCN11A-related disorder. Also called: SCN11A-related condition.
Inborn genetic diseases. Identifiers: MedGen C0950123, MeSH D030342.
Hereditary sensory and autonomic neuropathy type 7. Also called: HSAN VII; Neuropathy, hereditary sensory and autonomic, type VII. Identifiers: Orphanet 391397, MedGen C3809882, MONDO:0014244, OMIM 615548.
Familial episodic pain syndrome with predominantly lower limb involvement. Also called: Episodic pain syndrome, familial, 3. Identifiers: Orphanet 391384, Orphanet 391392, MedGen C3809899, MONDO:0014247, OMIM 615552.

Allele frequency attached by ClinVar (database versions not stated): ESP Exome Variant Server 0.00015; gnomAD 0.00020; gnomAD exomes 0.00026 and 0.00036; TOPMed 0.00037; ExAC 0.00052.
gnomAD v4.1: 413 of 1,602,752 alleles (0.026%); highest among the groups gnomAD compares: Admixed American, 0.083%; no homozygotes.

Submissions (7):

Women's Health and Genetics/Laboratory Corporation of America, LabCorp
Classification: Likely benign. Last evaluated: 2026-01-12. Review status: criteria provided, single submitter. Criteria: LabCorp Variant Classification Summary - May 2015. Collection method: clinical testing. Allele origin: germline.
Comment: Variant summary: SCN11A c.3506A>G (p.Asn1169Ser) results in a conservative amino acid change in the encoded protein sequence. Algorithms developed to predict the effect of missense changes on protein structure and function are either unavailable or do not agree on the potential impact of this missense change. The variant allele was found at a frequency of 0.00036 in 237782 control chromosomes, predominantly at a frequency of 0.0013 within the Latino subpopulation in the gnomAD database. The observed variant frequency within Latino control individuals in the gnomAD database exceeds the estimated maximal expected allele frequency for disease-causing variants in SCN11A. c.3506A>G has been observed in an individual affected with erythromelalgia like symptoms without clear evidence of causality (Kleggetveit_2016). These report(s) do not provide unequivocal conclusions about association of the variant with Familial episodic pain syndrome with predominantly lower limb involvement. To our knowledge, no experimental evidence demonstrating an impact on protein function has been reported. The following publication have been ascertained in the context of this evaluation (PMID: 27781142). ClinVar contains an entry for this variant (Variation ID: 474720). Based on the evidence outlined above, the variant was classified as likely benign.

Labcorp Genetics (formerly Invitae), Labcorp
Classification: Likely benign for Familial episodic pain syndrome with predominantly lower limb involvement; Hereditary sensory and autonomic neuropathy type 7. Last evaluated: 2025-11-06. Review status: criteria provided, single submitter. Criteria: Invitae Variant Classification Sherloc (09022015). Collection method: clinical testing. Allele origin: germline.

PreventionGenetics, part of Exact Sciences
Classification: Likely benign for SCN11A-related condition. Last evaluated: 2025-08-05. Review status: criteria provided, single submitter. Criteria: ACMG Guidelines, 2015. Collection method: clinical testing. Allele origin: germline.
Comment: This variant is classified as likely benign based on ACMG/AMP sequence variant interpretation guidelines (Richards et al. 2015 PMID: 25741868, with internal and published modifications).

Blueprint Genetics
Classification: Likely benign. Last evaluated: 2023-10-03. Review status: criteria provided, single submitter. Criteria: ACMG Guidelines, 2015. Collection method: clinical testing. Allele origin: germline.

Ambry Genetics
Classification: Likely benign for Inborn genetic diseases. Last evaluated: 2020-01-18. Review status: criteria provided, single submitter. Criteria: Ambry Variant Classification Scheme 2023. Collection method: clinical testing. Allele origin: germline.

Breakthrough Genomics
Classification: Likely benign. Review status: criteria provided, single submitter. Criteria: ACMG Guidelines, 2015. Collection method: not provided. Allele origin: germline. Inheritance: Autosomal dominant inheritance. Affected: yes.

Dr. Peter K. Rogan Lab, Western University
No classification provided (evidence only). Condition: Malignant tumor of urinary bladder. Review status: no classification provided. Collection method: in vitro. Allele origin: not applicable. Functional consequence: retained intron. Not counted in ClinVar's aggregate classification.

Literature cited by the submitters: PubMed 27781142 (cited by Women's Health and Genetics/Laboratory Corporation of America, LabCorp).